The following is an entry in ClinVar:

NM_000545.8(HNF1A):c.132G>A (p.Leu44=)

Gene: HNF1A (HNF1 homeobox A; plus strand). Cytogenetic location: 12q24.31.
Variant type: single nucleotide variant.
Coding change: c.132G>A on transcript NM_000545.8 (MANE Select); coding-DNA position 132, G replaced by A.
Protein change: p.Leu44=; no amino-acid change (leucine 44 retained).
Molecular consequence: synonymous variant.
Genome position (GRCh38, 1-based): chr12:120,978,900, G>A. VCF-style: chr12-120978900-G-A. GRCh37 (hg19) VCF-style: chr12-121416703-G-A.
Other names: c.132G>A, p.Leu44= (NM_001306179.2, NM_001406915.1).
Identifiers: ClinVar variation 2899495 (VCV002899495.25), dbSNP rs779098731, ClinGen allele CA6831668.

ClinVar aggregate classification (germline): Likely benign. Review status: criteria provided, multiple submitters, no conflicts (2 of 4 stars). 2 submissions from 2 submitters: Likely benign (2). Last evaluated 2024-02-01.

Allele frequency attached by ClinVar (database versions not stated): gnomAD exomes 0.00001; ExAC 0.00002; TOPMed 0.00002.
gnomAD v4.1: 7 of 1,613,090 alleles (0.00043%); highest among the groups gnomAD compares: East Asian, 0.0067%; no homozygotes.

Submissions (2):

CeGaT Center for Human Genetics Tuebingen
Classification: Likely benign. Last evaluated: 2024-02-01. Review status: criteria provided, single submitter. Criteria: CeGaT Center For Human Genetics Tuebingen Variant Classification Criteria Version 2. Collection method: clinical testing. Allele origin: germline. Affected: yes. Observed: 1 variant allele.
Comment: HNF1A: BP4, BP7

Labcorp Genetics (formerly Invitae), Labcorp
Classification: Likely benign. Last evaluated: 2023-02-09. Review status: criteria provided, single submitter. Criteria: Invitae Variant Classification Sherloc (09022015). Collection method: clinical testing. Allele origin: germline.